The following is an entry in ClinVar:

ClinVar aggregate classification (germline): Uncertain significance (1 of 4 stars; one submission).

Conditions:
Primary ciliary dyskinesia. Also called: Ciliary dyskinesia. Identifiers: Orphanet 244, MedGen C0008780, MONDO:0016575, HP:0012265.

Submission:

Labcorp Genetics (formerly Invitae), Labcorp
Classification: Uncertain significance for Primary ciliary dyskinesia. Last evaluated: 2024-01-15. Review status: criteria provided, single submitter. Criteria: Invitae Variant Classification Sherloc (09022015). Collection method: clinical testing. Allele origin: germline.
Comment: This sequence change replaces alanine, which is neutral and non-polar, with glutamic acid, which is acidic and polar, at codon 68 of the CCDC114 protein (p.Ala68Glu). This variant is not present in population databases (gnomAD no frequency). This variant has not been reported in the literature in individuals affected with CCDC114-related conditions. ClinVar contains an entry for this variant (Variation ID: 2025441). An algorithm developed to predict the effect of missense changes on protein structure and function (PolyPhen-2) suggests that this variant is likely to be disruptive. In summary, the available evidence is currently insufficient to determine the role of this variant in disease. Therefore, it has been classified as a Variant of Uncertain Significance.

NM_001364171.2(ODAD1):c.314C>A (p.Ala105Glu)

Gene: ODAD1 (outer dynein arm docking complex subunit 1; minus strand). Cytogenetic location: 19q13.33.
Variant type: single nucleotide variant.
Coding change: c.314C>A on transcript NM_001364171.2 (MANE Select); coding-DNA position 314, C replaced by A.
Protein change: p.Ala105Glu; replaces alanine 105 with glutamic acid.
Molecular consequence: missense variant.
Genome position (GRCh38, 1-based): chr19:48,318,433, G>T on the plus strand (C>A on the coding strand, the complement: ODAD1 is on the minus strand). VCF-style: chr19-48318433-G-T. GRCh37 (hg19) VCF-style: chr19-48821690-G-T.
Other names: c.203C>A, p.Ala68Glu (NM_144577.4); short protein forms A105E, A68E.
Identifiers: ClinVar variation 2025441 (VCV002025441.4), dbSNP rs1402875362, ClinGen allele CA406666092.
Genomic context (GRCh38, chr19:48,318,433, plus strand): 5'-CTCTCAAACCCCACCTGCTTGTCCAGGGCCCTGGTCTGCTCCTGCAGCTCCTCGATCTCC[G>T]CCTGCACCTGGGCCCGGCCCTTCAGCAGGCGGTCCATGTTCTCCAGCCGCTGACTGTCCC-3'
Protein context (NP_001351100.1, residues 95-115): RLLKGRAQVQ[Ala105Glu]EIEELQEQTR